The following is an entry in ClinVar:

NM_177438.3(DICER1):c.2133T>C (p.His711=)

Gene: DICER1 (dicer 1, ribonuclease III; minus strand). Cytogenetic location: 14q32.13.
Variant type: single nucleotide variant.
Coding change: c.2133T>C on transcript NM_177438.3 (MANE Select); coding-DNA position 2133, T replaced by C.
Protein change: p.His711=; no amino-acid change (histidine 711 retained).
Molecular consequence: synonymous variant.
Genome position (GRCh38, 1-based): chr14:95,111,440, A>G on the plus strand (T>C on the coding strand, the complement: DICER1 is on the minus strand). VCF-style: chr14-95111440-A-G. GRCh37 (hg19) VCF-style: chr14-95577777-A-G.
Other names: c.2133T>C, p.His711= (NM_001195573.1, NM_001271282.3, NM_001291628.2 and 1 more transcripts).
Identifiers: ClinVar variation 242059 (VCV000242059.26), dbSNP rs878855248, ClinGen allele CA10583213.
Genomic context (GRCh38, chr14:95,111,440, plus strand): 5'-TTCATCATGCAAATCAAGCTCCTCTTCATATTTAACAGTCTCTTTCCCAACTGGCATCAA[A>G]TGGTCATCCAGTTCGCCTAACAAATTTAAAGAGAGAATTAACACAATCCAGATTTTGCCT-3'
Protein context (NP_803187.1, residues 701-721): KLHKIGELDD[His711=]LMPVGKETVK

ClinVar aggregate classification (germline): Conflicting classifications of pathogenicity. Review status: criteria provided, conflicting classifications (1 of 4 stars). 7 submissions from 7 submitters: Uncertain significance (1); Benign (1); Likely benign (4). 1 of the submissions does not count toward it. Last evaluated 2026-04-16.

Conditions:
DICER1-related disorder. Also called: DICER1-related condition.
DICER1-related tumor predisposition. Also called: DICER1-related pleuropulmonary blastoma cancer predisposition syndrome; DICER1 syndrome. Identifiers: Orphanet 284343, MedGen C3839822, MONDO:0100216.
Hereditary cancer-predisposing syndrome. Also called: Hereditary neoplastic syndrome; Neoplastic Syndromes, Hereditary; Hereditary Cancer Syndrome; Tumor predisposition. Identifiers: Orphanet 140162, MedGen C0027672, MeSH D009386, MONDO:0015356.

Allele frequency attached by ClinVar (database versions not stated): gnomAD exomes below 0.00001 and 0.00001; TOPMed 0.00005; gnomAD 0.00003.
gnomAD v4.1: 24 of 1,614,044 alleles (0.0015%); highest among the groups gnomAD compares: Non-Finnish European, 0.002%; no homozygotes.

Submissions (7):

Myriad Genetics, Inc.
Classification: Benign for DICER1-related tumor predisposition. Last evaluated: 2026-04-16. Review status: criteria provided, single submitter. Criteria: Myriad Autosomal Dominant, Autosomal Recessive and X-Linked Classification Criteria (2023). Collection method: clinical testing. Allele origin: unknown.
Comment: This variant is considered benign. This variant is a silent/synonymous amino acid change and it is not expected to impact splicing.

Labcorp Genetics (formerly Invitae), Labcorp
Classification: Likely benign for DICER1-related tumor predisposition. Last evaluated: 2025-12-17. Review status: criteria provided, single submitter. Criteria: Invitae Variant Classification Sherloc (09022015). Collection method: clinical testing. Allele origin: germline.

Hereditary Cancer Group, L’Institut d'Investigació Biomèdica de Bellvitge
Classification: Likely benign for Hereditary cancer-predisposing syndrome. Last evaluated: 2024-12-19. Review status: criteria provided, single submitter. Criteria: Hatton et al. (Hum Mutat. 2023). Collection method: clinical testing. Allele origin: germline. Inheritance: Autosomal dominant inheritance. Affected: yes.
Comment: BP4, BP7

Quest Diagnostics Nichols Institute San Juan Capistrano
Classification: Likely benign. Last evaluated: 2023-03-17. Review status: criteria provided, single submitter. Criteria: Quest Diagnostics criteria. Collection method: clinical testing. Allele origin: unknown.

Ambry Genetics
Classification: Likely benign for Hereditary cancer-predisposing syndrome. Last evaluated: 2018-04-06. Review status: criteria provided, single submitter. Criteria: Ambry Variant Classification Scheme 2023. Collection method: clinical testing. Allele origin: germline.

Illumina Laboratory Services, Illumina
Classification: Uncertain significance for Pleuropulmonary blastoma. Last evaluated: 2018-01-12. Review status: criteria provided, single submitter. Criteria: ICSL Variant Classification Criteria 13 December 2019. Collection method: clinical testing. Allele origin: germline.

PreventionGenetics, part of Exact Sciences
Classification: Likely benign for DICER1-related condition. Last evaluated: 2022-04-11. Review status: no assertion criteria provided. Collection method: clinical testing. Allele origin: germline. Not counted in ClinVar's aggregate classification.
Comment: This variant is classified as likely benign based on ACMG/AMP sequence variant interpretation guidelines (Richards et al. 2015 PMID: 25741868, with internal and published modifications).